The following is an entry in ClinVar:

ClinVar aggregate classification (germline): Conflicting classifications of pathogenicity. Review status: criteria provided, conflicting classifications (1 of 4 stars). 4 submissions from 4 submitters: Uncertain significance (3); Likely benign (1). Last evaluated 2025-01-14.

Conditions:
Primary ciliary dyskinesia 14. Also called: CILIARY DYSKINESIA, PRIMARY, 14, WITH OR WITHOUT SITUS INVERSUS. Identifiers: Orphanet 244, MedGen C3151136, MONDO:0013434, OMIM 613807.
Primary ciliary dyskinesia. Also called: Ciliary dyskinesia. Identifiers: Orphanet 244, MedGen C0008780, MONDO:0016575, HP:0012265.

Allele frequency attached by ClinVar (database versions not stated): gnomAD exomes 0.00027 and 0.00039; ExAC 0.00029; TOPMed 0.00030; gnomAD 0.00032 and 0.00033; ESP Exome Variant Server 0.00034.
gnomAD v4.1: 622 of 1,610,642 alleles (0.039%); highest among the groups gnomAD compares: South Asian, 0.082%; 3 homozygotes.

Submissions (4):

Labcorp Genetics (formerly Invitae), Labcorp
Classification: Uncertain significance for Primary ciliary dyskinesia. Last evaluated: 2025-01-14. Review status: criteria provided, single submitter. Criteria: Invitae Variant Classification Sherloc (09022015). Collection method: clinical testing. Allele origin: germline.
Comment: This sequence change replaces asparagine, which is neutral and polar, with serine, which is neutral and polar, at codon 686 of the CCDC39 protein (p.Asn686Ser). This variant is present in population databases (rs201586263, gnomAD 0.09%). This variant has not been reported in the literature in individuals affected with CCDC39-related conditions. ClinVar contains an entry for this variant (Variation ID: 220134). An algorithm developed to predict the effect of missense changes on protein structure and function outputs the following: PolyPhen-2: "Benign". The serine amino acid residue is found in multiple mammalian species, which suggests that this missense change does not adversely affect protein function. In summary, the available evidence is currently insufficient to determine the role of this variant in disease. Therefore, it has been classified as a Variant of Uncertain Significance.

Mayo Clinic Laboratories, Mayo Clinic
Classification: Uncertain significance. Last evaluated: 2024-08-23. Review status: criteria provided, single submitter. Criteria: ACMG Guidelines, 2015. Collection method: clinical testing. Allele origin: germline. Observed: 1 variant allele.
Comment: BP4

Ambry Genetics
Classification: Likely benign for Primary ciliary dyskinesia. Last evaluated: 2022-05-04. Review status: criteria provided, single submitter. Criteria: Ambry Variant Classification Scheme 2023. Collection method: clinical testing. Allele origin: germline.

Fulgent Genetics
Classification: Uncertain significance for Primary ciliary dyskinesia 14. Last evaluated: 2018-10-31. Review status: criteria provided, single submitter. Criteria: ACMG Guidelines, 2015. Collection method: clinical testing. Allele origin: unknown.

NM_181426.2(CCDC39):c.2057A>G (p.Asn686Ser)

Gene: CCDC39 (coiled-coil domain 39 molecular ruler complex subunit; minus strand). Cytogenetic location: 3q26.33.
Variant type: single nucleotide variant.
Coding change: c.2057A>G on transcript NM_181426.2 (MANE Select); coding-DNA position 2057, A replaced by G.
Protein change: p.Asn686Ser; replaces asparagine 686 with serine.
Molecular consequence: missense variant.
Genome position (GRCh38, 1-based): chr3:180,619,912, T>C on the plus strand (A>G on the coding strand, the complement: CCDC39 is on the minus strand). VCF-style: chr3-180619912-T-C. GRCh37 (hg19) VCF-style: chr3-180337700-T-C.
Other names: p.Asn686Ser; short protein forms N686S.
Identifiers: ClinVar variation 220134 (VCV000220134.11), dbSNP rs201586263, ClinGen allele CA349473.